The following is an entry in ClinVar:

ClinVar aggregate classification (germline): Uncertain significance (1 of 4 stars; one submission).

Conditions:
Hereditary spastic paraplegia 11. Also called: Spastic paraplegia, mental retardation and thin corpus callosum; Spastic Paraplegia 11; Nakamura Osame syndrome; Autosomal recessive hereditary spastic paraplegia, mental impairment, and thin corpus callosum; SPASTIC PARAPLEGIA, AUTOSOMAL RECESSIVE, COMPLICATED, WITH THIN CORPUS CALLOSUM; SPASTIC PARAPLEGIA, AUTOSOMAL RECESSIVE, WITH MENTAL IMPAIRMENT AND THIN CORPUS CALLOSUM. Identifiers: Orphanet 2822, MedGen C1858479, MONDO:0011445, OMIM 604360.

Allele frequency attached by ClinVar (database versions not stated): gnomAD exomes below 0.00001 and 0.00001; ExAC 0.00002.
gnomAD v4.1: 2 of 1,613,904 alleles (0.00012%); highest among the groups gnomAD compares: Admixed American, 0.0033%; no homozygotes.

Submission:

Labcorp Genetics (formerly Invitae), Labcorp
Classification: Uncertain significance for Hereditary spastic paraplegia 11. Last evaluated: 2020-11-28. Review status: criteria provided, single submitter. Criteria: Invitae Variant Classification Sherloc (09022015). Collection method: clinical testing. Allele origin: germline.
Comment: This variant is present in population databases (rs755953167, ExAC 0.009%). This sequence change replaces proline with threonine at codon 2076 of the SPG11 protein (p.Pro2076Thr). The proline residue is highly conserved and there is a small physicochemical difference between proline and threonine. In summary, the available evidence is currently insufficient to determine the role of this variant in disease. Therefore, it has been classified as a Variant of Uncertain Significance. Algorithms developed to predict the effect of missense changes on protein structure and function are either unavailable or do not agree on the potential impact of this missense change (SIFT: "Tolerated"; PolyPhen-2: "Probably Damaging"; Align-GVGD: "Class C0"). This variant has not been reported in the literature in individuals with SPG11-related conditions.

NM_025137.4(SPG11):c.6226C>A (p.Pro2076Thr)

Gene: SPG11 (SPG11 vesicle trafficking associated, spatacsin; minus strand). Cytogenetic location: 15q21.1.
Variant type: single nucleotide variant.
Coding change: c.6226C>A on transcript NM_025137.4 (MANE Select); coding-DNA position 6226, C replaced by A.
Protein change: p.Pro2076Thr; replaces proline 2076 with threonine.
Molecular consequence: missense variant.
Genome position (GRCh38, 1-based): chr15:44,572,800, G>T on the plus strand (C>A on the coding strand, the complement: SPG11 is on the minus strand). VCF-style: chr15-44572800-G-T. GRCh37 (hg19) VCF-style: chr15-44864998-G-T.
Other names: c.5887C>A, p.Pro1963Thr (NM_001160227.2); short protein forms P1963T, P2076T.
Identifiers: ClinVar variation 1370606 (VCV001370606.8), dbSNP rs755953167, ClinGen allele CA7534200.